The following is an entry in ClinVar:

NM_001029896.2(WDR45):c.398G>A (p.Arg133Gln)

Gene: WDR45 (WD repeat domain 45; minus strand). Cytogenetic location: Xp11.23.
Variant type: single nucleotide variant.
Coding change: c.398G>A on transcript NM_001029896.2 (MANE Select); coding-DNA position 398, G replaced by A.
Protein change: p.Arg133Gln; replaces arginine 133 with glutamine.
Molecular consequence: missense variant.
Genome position (GRCh38, 1-based): chrX:49,076,468, C>T on the plus strand (G>A on the coding strand, the complement: WDR45 is on the minus strand). VCF-style: chrX-49076468-C-T. GRCh37 (hg19) VCF-style: chrX-48934127-C-T.
Other names: c.401G>A, p.Arg134Gln (NM_007075.4); short protein forms R134Q, R133Q.
Identifiers: ClinVar variation 583164 (VCV000583164.10), dbSNP rs144081442, ClinGen allele CA10408537.

ClinVar aggregate classification (germline): Conflicting classifications of pathogenicity. Review status: criteria provided, conflicting classifications (1 of 4 stars). 2 submissions from 2 submitters: Uncertain significance (1); Likely benign (1). Last evaluated 2026-03-24.

Conditions:
Neurodegeneration with brain iron accumulation 5 (NBIA5). Also called: STATIC ENCEPHALOPATHY OF CHILDHOOD WITH NEURODEGENERATION IN ADULTHOOD; Beta-propeller protein-associated neurodegeneration. Identifiers: Orphanet 329284, MedGen C3550973, MONDO:0010476, OMIM 300894.

Allele frequency attached by ClinVar (database versions not stated): ExAC 0.00001; gnomAD exomes 0.00001; gnomAD 0.00005 and 0.00006; TOPMed 0.00005; ESP Exome Variant Server 0.00019.
gnomAD v4.1: 23 of 1,210,487 alleles (0.0019%); highest among the groups gnomAD compares: African/African-American, 0.0087%; no homozygotes.

Submissions (2):

Women's Health and Genetics/Laboratory Corporation of America, LabCorp
Classification: Uncertain significance. Last evaluated: 2026-03-24. Review status: criteria provided, single submitter. Criteria: LabCorp Variant Classification Summary - May 2015. Collection method: clinical testing. Allele origin: germline.
Comment: Variant summary: WDR45 c.401G>A (p.Arg134Gln) results in a conservative amino acid change in the encoded protein sequence. Algorithms developed to predict the effect of missense changes on protein structure and function all suggest that this variant is likely to be tolerated. The variant allele was found at a frequency of 5.5e-06 in 183450 control chromosomes. The available data on variant occurrences in the general population are insufficient to allow any conclusion about variant significance. To our knowledge, no occurrence of c.401G>A in individuals affected with WDR45-related conditions and no experimental evidence demonstrating its impact on protein function have been reported. ClinVar contains an entry for this variant (Variation ID: 583164). Based on the evidence outlined above, the variant was classified as uncertain significance.

Labcorp Genetics (formerly Invitae), Labcorp
Classification: Likely benign for Neurodegeneration with brain iron accumulation 5. Last evaluated: 2025-04-17. Review status: criteria provided, single submitter. Criteria: Invitae Variant Classification Sherloc (09022015). Collection method: clinical testing. Allele origin: germline.